The following is an entry in ClinVar:

ClinVar aggregate classification (germline): Uncertain significance (1 of 4 stars; one submission).

Conditions:
Inborn genetic diseases. Identifiers: MedGen C0950123, MeSH D030342.

Submission:

Ambry Genetics
Classification: Uncertain significance for Inborn genetic diseases. Last evaluated: 2025-07-03. Review status: criteria provided, single submitter. Criteria: Ambry Variant Classification Scheme 2023. Collection method: clinical testing. Allele origin: germline.
Comment: The p.S230P variant (also known as c.688T>C), located in coding exon 5 of the ANKRD26 gene, results from a T to C substitution at nucleotide position 688. The serine at codon 230 is replaced by proline, an amino acid with similar properties. This amino acid position is conserved. In addition, this alteration is predicted to be tolerated by in silico analysis. Based on the available evidence, the clinical significance of this variant remains unclear.

NM_014915.3(ANKRD26):c.688T>C (p.Ser230Pro)

Gene: ANKRD26 (ankyrin repeat domain containing 26; minus strand). Cytogenetic location: 10p12.1.
Variant type: single nucleotide variant.
Coding change: c.688T>C on transcript NM_014915.3 (MANE Select); coding-DNA position 688, T replaced by C.
Protein change: p.Ser230Pro; replaces serine 230 with proline.
Molecular consequence: missense variant.
Genome position (GRCh38, 1-based): chr10:27,086,560, A>G on the plus strand (T>C on the coding strand, the complement: ANKRD26 is on the minus strand). VCF-style: chr10-27086560-A-G. GRCh37 (hg19) VCF-style: chr10-27375489-A-G.
Other names: c.688T>C, p.Ser230Pro (NM_001256053.2); short protein forms S230P.
Identifiers: ClinVar variation 4103255 (VCV004103255.1).